The following is an entry in ClinVar:

ClinVar aggregate classification (germline): Uncertain significance. Review status: criteria provided, multiple submitters, no conflicts (2 of 4 stars). 2 submissions from 2 submitters: Uncertain significance (2). Last evaluated 2025-11-08.

Conditions:
Combined immunodeficiency due to MALT1 deficiency. Also called: Immunodeficiency 12. Identifiers: Orphanet 397964, MedGen C3809583, MONDO:0014197, OMIM 615468.
Inborn genetic diseases. Identifiers: MedGen C0950123, MeSH D030342.

Allele frequency attached by ClinVar (database versions not stated): ExAC 0.00001.
gnomAD v4.1: 4 of 1,613,388 alleles (0.00025%); highest among the groups gnomAD compares: Admixed American, 0.0033%; no homozygotes.

Submissions (2):

Ambry Genetics
Classification: Uncertain significance for Inborn genetic diseases. Last evaluated: 2025-11-08. Review status: criteria provided, single submitter. Criteria: Ambry Variant Classification Scheme 2023. Collection method: clinical testing. Allele origin: germline.

Labcorp Genetics (formerly Invitae), Labcorp
Classification: Uncertain significance for Combined immunodeficiency due to MALT1 deficiency. Last evaluated: 2024-11-30. Review status: criteria provided, single submitter. Criteria: Invitae Variant Classification Sherloc (09022015). Collection method: clinical testing. Allele origin: germline.
Comment: This sequence change replaces arginine, which is basic and polar, with proline, which is neutral and non-polar, at codon 354 of the MALT1 protein (p.Arg354Pro). This variant is present in population databases (rs777036725, gnomAD 0.006%). This variant has not been reported in the literature in individuals affected with MALT1-related conditions. ClinVar contains an entry for this variant (Variation ID: 1000964). Invitae Evidence Modeling of protein sequence and biophysical properties (such as structural, functional, and spatial information, amino acid conservation, physicochemical variation, residue mobility, and thermodynamic stability) indicates that this missense variant is not expected to disrupt MALT1 protein function with a negative predictive value of 80%. In summary, the available evidence is currently insufficient to determine the role of this variant in disease. Therefore, it has been classified as a Variant of Uncertain Significance.

NM_006785.4(MALT1):c.1061G>C (p.Arg354Pro)

Gene: MALT1 (MALT1 paracaspase; plus strand). Cytogenetic location: 18q21.32.
Variant type: single nucleotide variant.
Coding change: c.1061G>C on transcript NM_006785.4 (MANE Select); coding-DNA position 1061, G replaced by C.
Protein change: p.Arg354Pro; replaces arginine 354 with proline.
Molecular consequence: missense variant.
Genome position (GRCh38, 1-based): chr18:58,723,090, G>C. VCF-style: chr18-58723090-G-C. GRCh37 (hg19) VCF-style: chr18-56390322-G-C.
Other names: c.1028G>C, p.Arg343Pro (NM_173844.3); c.1061G>C (NM_006785.2); short protein forms R343P, R354P.
Identifiers: ClinVar variation 1000964 (VCV001000964.9), dbSNP rs777036725, ClinGen allele CA8977829.